The following is an entry in ClinVar:

NM_018417.6(ADCY10):c.2464A>T (p.Met822Leu)

Gene: ADCY10 (adenylate cyclase 10; minus strand). Cytogenetic location: 1q24.2.
Variant type: single nucleotide variant.
Coding change: c.2464A>T on transcript NM_018417.6 (MANE Select); coding-DNA position 2464, A replaced by T.
Protein change: p.Met822Leu; replaces methionine 822 with leucine.
Molecular consequence: missense variant.
Genome position (GRCh38, 1-based): chr1:167,846,237, T>A on the plus strand (A>T on the coding strand, the complement: ADCY10 is on the minus strand). VCF-style: chr1-167846237-T-A. GRCh37 (hg19) VCF-style: chr1-167815475-T-A.
Other names: c.2005A>T, p.Met669Leu (NM_001167749.3); c.2188A>T, p.Met730Leu (NM_001297772.2); c.2464A>T (NM_018417.4); short protein forms M669L, M730L, M822L.
Identifiers: ClinVar variation 3700425 (VCV003700425.3).

ClinVar aggregate classification (germline): Uncertain significance. Review status: criteria provided, multiple submitters, no conflicts (2 of 4 stars). 2 submissions from 2 submitters: Uncertain significance (2). Last evaluated 2025-06-22.

gnomAD v4.1: 4 of 1,614,200 alleles (0.00025%); highest among the groups gnomAD compares: East Asian, 0.0089%; no homozygotes.

Submissions (2):

Ambry Genetics
Classification: Uncertain significance. Last evaluated: 2025-06-22. Review status: criteria provided, single submitter. Criteria: Ambry Variant Classification Scheme 2023. Collection method: clinical testing. Allele origin: germline.

Labcorp Genetics (formerly Invitae), Labcorp
Classification: Uncertain significance. Last evaluated: 2024-02-05. Review status: criteria provided, single submitter. Criteria: Invitae Variant Classification Sherloc (09022015). Collection method: clinical testing. Allele origin: germline.
Comment: This sequence change replaces methionine, which is neutral and non-polar, with leucine, which is neutral and non-polar, at codon 822 of the ADCY10 protein (p.Met822Leu). This variant is present in population databases (rs755328364, gnomAD 0.01%). This variant has not been reported in the literature in individuals affected with ADCY10-related conditions. An algorithm developed to predict the effect of missense changes on protein structure and function (PolyPhen-2) suggests that this variant is likely to be tolerated. In summary, the available evidence is currently insufficient to determine the role of this variant in disease. Therefore, it has been classified as a Variant of Uncertain Significance.